The following is an entry in ClinVar:

ClinVar aggregate classification (germline): Uncertain significance (1 of 4 stars; one submission).

Conditions:
DPAGT1-congenital disorder of glycosylation. Also called: CONGENITAL DISORDER OF GLYCOSYLATION, TYPE Ij; CDG Ij; DPAGT1-CDG. Identifiers: Orphanet 86309, MedGen C2931004, MONDO:0011964, OMIM 608093.
Congenital myasthenic syndrome 13 (CMS13). Also called: Myasthenic syndrome, congenital, with tubular aggregates 2; Myasthenic syndrome, congenital, 13, with tubular aggregates. Identifiers: Orphanet 353327, Orphanet 590, MedGen C3553645, MONDO:0013883, OMIM 614750.

Allele frequency attached by ClinVar (database versions not stated): TOPMed below 0.00001.

Submission:

Labcorp Genetics (formerly Invitae), Labcorp
Classification: Uncertain significance for Congenital myasthenic syndrome 13; DPAGT1-congenital disorder of glycosylation. Last evaluated: 2022-07-05. Review status: criteria provided, single submitter. Criteria: Invitae Variant Classification Sherloc (09022015). Collection method: clinical testing. Allele origin: germline.
Comment: In summary, the available evidence is currently insufficient to determine the role of this variant in disease. Therefore, it has been classified as a Variant of Uncertain Significance. Algorithms developed to predict the effect of missense changes on protein structure and function (SIFT, PolyPhen-2, Align-GVGD) all suggest that this variant is likely to be tolerated. ClinVar contains an entry for this variant (Variation ID: 473242). This variant has not been reported in the literature in individuals affected with DPAGT1-related conditions. This variant is not present in population databases (gnomAD no frequency). This sequence change replaces phenylalanine, which is neutral and non-polar, with leucine, which is neutral and non-polar, at codon 141 of the DPAGT1 protein (p.Phe141Leu).

NM_001382.4(DPAGT1):c.423C>G (p.Phe141Leu)

Gene: DPAGT1 (dolichyl-phosphate N-acetylglucosaminephosphotransferase 1; minus strand). Cytogenetic location: 11q23.3.
Variant type: single nucleotide variant.
Coding change: c.423C>G on transcript NM_001382.4 (MANE Select); coding-DNA position 423, C replaced by G.
Protein change: p.Phe141Leu; replaces phenylalanine 141 with leucine.
Molecular consequence: missense variant.
Genome position (GRCh38, 1-based): chr11:119,100,703, G>C on the plus strand (C>G on the coding strand, the complement: DPAGT1 is on the minus strand). VCF-style: chr11-119100703-G-C. GRCh37 (hg19) VCF-style: chr11-118971413-G-C.
Other names: short protein forms F141L.
Identifiers: ClinVar variation 473242 (VCV000473242.9), dbSNP rs1403883479, ClinGen allele CA382915060.